The following is an entry in ClinVar:

NM_002528.7(NTHL1):c.80delinsGG (p.Glu27fs)

Gene: NTHL1 (nth like DNA glycosylase 1; minus strand). Cytogenetic location: 16p13.3.
Variant type: Indel.
Coding change: c.80delinsGG on transcript NM_002528.7 (MANE Select); coding-DNA position 80, A replaced by GG.
Protein change: p.Glu27fs; shifts the reading frame from glutamic acid 27.
Molecular consequence: frameshift variant. On other transcripts: 5 prime UTR variant (1).
Genome position (GRCh38, 1-based): chr16:2,047,744, T replaced by CC on the plus strand (A replaced by GG on the coding strand, the reverse complement: NTHL1 is on the minus strand). VCF-style: chr16-2047744-T-CC. GRCh37 (hg19) VCF-style: chr16-2097745-T-CC.
Other names: c.80delinsGG, p.Glu27fs (NM_001318193.2); c.-99delinsGG (NM_001318194.2); c.104delAinsGG (NM_002528.5); short protein forms E27fs.
Identifiers: ClinVar variation 2673816 (VCV002673816.2), dbSNP rs2084517687, ClinGen allele CA1139664324.

ClinVar aggregate classification (germline): Pathogenic. Review status: criteria provided, multiple submitters, no conflicts (2 of 4 stars). 2 submissions from 2 submitters: Pathogenic (2). Last evaluated 2024-05-06.

Conditions:
Familial adenomatous polyposis 3. Also called: NTHL1-Related Adenomatous Polyposis and Colorectal Cancer; NTHL1 Tumor Syndrome; NTHL1-related attenuated familial adenomatous polyposis; NTHL1-associated polyposis. Identifiers: Orphanet 220460, Orphanet 454840, MedGen C4225157, MONDO:0014630, OMIM 616415.
Hereditary cancer-predisposing syndrome. Also called: Neoplastic Syndromes, Hereditary; Tumor predisposition; Hereditary Cancer Syndrome; Hereditary neoplastic syndrome. Identifiers: Orphanet 140162, MedGen C0027672, MeSH D009386, MONDO:0015356.

Submissions (2):

Ambry Genetics
Classification: Pathogenic for Hereditary cancer-predisposing syndrome. Last evaluated: 2024-05-06. Review status: criteria provided, single submitter. Criteria: Ambry Variant Classification Scheme 2023. Collection method: clinical testing. Allele origin: germline.
Comment: The c.104delAinsGG pathogenic mutation, located in coding exon 1 of the NTHL1 gene, results from the deletion of one nucleotide and insertion of two nucleotides causing a translational frameshift with a predicted alternate stop codon (p.E35Gfs*35). This alteration is expected to result in loss of function by premature protein truncation or nonsense-mediated mRNA decay. This variant is considered to be rare based on population cohorts in the Genome Aggregation Database (gnomAD). As such, this alteration is interpreted as a disease-causing mutation.

Myriad Genetics, Inc.
Classification: Pathogenic for Familial adenomatous polyposis 3. Last evaluated: 2023-08-31. Review status: criteria provided, single submitter. Criteria: Myriad Autosomal Dominant, Autosomal Recessive and X-Linked Classification Criteria (2023). Collection method: clinical testing. Allele origin: unknown.
Comment: This variant is considered pathogenic. This variant creates a frameshift predicted to result in premature protein truncation.